The following is an entry in ClinVar:

NM_001370348.2(PHF3):c.244+7C>A

Gene: PHF3 (PHD finger protein 3; plus strand). Cytogenetic location: 6q12.
Variant type: single nucleotide variant.
Coding change: c.244+7C>A on transcript NM_001370348.2 (MANE Select); 7 bases into the intron after coding-DNA position 244, C replaced by A.
Molecular consequence: intron variant.
Genome position (GRCh38, 1-based): chr6:63,646,802, C>A. VCF-style: chr6-63646802-C-A. GRCh37 (hg19) VCF-style: chr6-64356707-C-A.
Other names: c.-214+7C>A (NM_001290259.2); c.-167+7C>A (NM_001370350.2); c.-21+10652C>A (NM_001370349.2); c.244+7C>A (NM_001290260.2, NM_015153.4).
Identifiers: ClinVar variation 3045235 (VCV003045235.2), dbSNP rs1192077289, ClinGen allele CA1089785545.

ClinVar aggregate classification (germline): Likely benign (0 of 4 stars; one submission).

Conditions:
PHF3-related disorder. Also called: PHF3-related condition.

Submission:

PreventionGenetics, part of Exact Sciences
Classification: Likely benign for PHF3-related condition. Last evaluated: 2019-12-06. Review status: no assertion criteria provided. Collection method: clinical testing. Allele origin: germline.
Comment: This variant is classified as likely benign based on ACMG/AMP sequence variant interpretation guidelines (Richards et al. 2015 PMID: 25741868, with internal and published modifications).